The following is an entry in ClinVar:

ClinVar aggregate classification (germline): Likely pathogenic. Review status: criteria provided, single submitter (1 of 4 stars). 2 submissions from 2 submitters: Likely pathogenic (1). 1 of the submissions does not count toward it. Last evaluated 2020-12-18.

Conditions:
Congenital disorder of glycosylation, type iit. Also called: CDG IIt. Identifiers: MedGen C5394387, MONDO:0030043, OMIM 618885.

Submissions (2):

SIB Swiss Institute of Bioinformatics
Classification: Likely pathogenic for Congenital disorder of glycosylation, type iit. Last evaluated: 2020-12-18. Review status: criteria provided, single submitter. Criteria: ACMG Guidelines, 2015. Collection method: curation. Allele origin: unknown.
Comment: This variant is interpreted as Likely pathogenic for Congenital disorder of glycosylation 2T, autosomal recessive. The following ACMG Tag(s) were applied: Absent from controls (or at extremely low frequency if recessive) in Exome Sequencing Project, 1000 Genomes Project, or Exome Aggregation Consortium (PM2); Cosegregation with disease in multiple affected family members in a gene definitively known to cause the disease (PP1); Multiple lines of computational evidence support a deleterious effect on the gene or gene product (PP3); Well-established functional studies show a deleterious effect (PS3).

OMIM
Classification: Pathogenic for CONGENITAL DISORDER OF GLYCOSYLATION, TYPE IIt. Last evaluated: 2020-05-20. Review status: no assertion criteria provided. Collection method: literature only. Allele origin: germline. Not counted in ClinVar's aggregate classification.

Literature cited by the submitters: PubMed 27508872 (cited by SIB Swiss Institute of Bioinformatics and OMIM).

NM_004481.5(GALNT2):c.311T>C (p.Phe104Ser)

Gene: GALNT2 (polypeptide N-acetylgalactosaminyltransferase 2; plus strand). Cytogenetic location: 1q42.13.
Variant type: single nucleotide variant.
Coding change: c.311T>C on transcript NM_004481.5 (MANE Select); coding-DNA position 311, T replaced by C.
Protein change: p.Phe104Ser; replaces phenylalanine 104 with serine.
Molecular consequence: missense variant.
Genome position (GRCh38, 1-based): chr1:230,203,227, T>C. VCF-style: chr1-230203227-T-C. GRCh37 (hg19) VCF-style: chr1-230338973-T-C.
Other names: c.197T>C, p.Phe66Ser (NM_001291866.2); short protein forms F104S, F66S.
Identifiers: ClinVar variation 873544 (VCV000873544.2), dbSNP rs1663960324, ClinGen allele CA345176757.
Genomic context (GRCh38, chr1:230,203,227, plus strand): 5'-AAGCTTATGTTGGAGGGACGATGGTCCGCTCCGGGCAGGACCCTTACGCCCGCAACAAGT[T>C]CAACCAGGTGGAGAGTGATAAGCTTCGAATGGACAGAGCCATCCCTGACACCCGGCATGA-3'
Protein context (NP_004472.1, residues 94-114): SGQDPYARNK[Phe104Ser]NQVESDKLRM